The following is an entry in ClinVar:

NM_015346.4(ZFYVE26):c.4974+8_4974+52del

Gene: ZFYVE26 (zinc finger FYVE-type containing 26; minus strand). Cytogenetic location: 14q24.1.
Variant type: Deletion.
Coding change: c.4974+8_4974+52del on transcript NM_015346.4 (MANE Select); bases 8 to 52 of the intron after coding-DNA position 4974, 45 bases deleted.
Molecular consequence: splice donor variant.
Genome position (GRCh38, 1-based): chr14:67,777,507-67,777,551, 45 bases deleted; deleting any 45 consecutive bases within chr14:67,777,507-67,777,595 gives the same sequence; the c. name uses the placement nearest the transcript's 3' end. GRCh37 (hg19): chr14:68,244,268-68,244,312.
Identifiers: ClinVar variation 1091350 (VCV001091350.25), dbSNP rs1566878435, ClinGen allele CA614778667.

ClinVar aggregate classification (germline): Likely benign. Review status: criteria provided, multiple submitters, no conflicts (2 of 4 stars). 2 submissions from 2 submitters: Likely benign (2). Last evaluated 2025-02-17.

Conditions:
Spastic paraplegia. Identifiers: MedGen C0037772, HP:0001258.

Submissions (2):

Labcorp Genetics (formerly Invitae), Labcorp
Classification: Likely benign for Spastic paraplegia. Last evaluated: 2025-02-17. Review status: criteria provided, single submitter. Criteria: Invitae Variant Classification Sherloc (09022015). Collection method: clinical testing. Allele origin: germline.

CeGaT Center for Human Genetics Tuebingen
Classification: Likely benign. Last evaluated: 2024-09-01. Review status: criteria provided, single submitter. Criteria: CeGaT Center For Human Genetics Tuebingen Variant Classification Criteria Version 2. Collection method: clinical testing. Allele origin: germline. Affected: yes. Observed: 2 variant alleles.
Comment: ZFYVE26: BP4